The following is an entry in ClinVar:

NM_002691.4(POLD1):c.3127C>T (p.His1043Tyr)

Gene: POLD1 (DNA polymerase delta 1, catalytic subunit; plus strand). Cytogenetic location: 19q13.33.
Variant type: single nucleotide variant.
Coding change: c.3127C>T on transcript NM_002691.4 (MANE Select); coding-DNA position 3127, C replaced by T.
Protein change: p.His1043Tyr; replaces histidine 1043 with tyrosine.
Molecular consequence: missense variant. On other transcripts: non-coding transcript variant (1).
Genome position (GRCh38, 1-based): chr19:50,417,178, C>T. VCF-style: chr19-50417178-C-T. GRCh37 (hg19) VCF-style: chr19-50920435-C-T.
Other names: c.3127C>T, p.His1043Tyr (NM_001256849.1, NM_001438212.1, NM_001438213.1); c.3205C>T, p.His1069Tyr (NM_001308632.1); c.3055C>T, p.His1019Tyr (NM_001438210.1, NM_001438211.1); short protein forms H1019Y, H1043Y, H1069Y.
Identifiers: ClinVar variation 4862185 (VCV004862185.1).

ClinVar aggregate classification (germline): Uncertain significance (1 of 4 stars; one submission).

Conditions:
Hereditary cancer-predisposing syndrome. Also called: Neoplastic Syndromes, Hereditary; Tumor predisposition; Hereditary Cancer Syndrome; Hereditary neoplastic syndrome. Identifiers: Orphanet 140162, MedGen C0027672, MeSH D009386, MONDO:0015356.

gnomAD v4.1: 3 of 1,604,564 alleles (0.00019%); highest among the groups gnomAD compares: South Asian, 0.0033%; no homozygotes.

Submission:

Ambry Genetics
Classification: Uncertain significance for Hereditary cancer-predisposing syndrome. Last evaluated: 2026-04-25. Review status: criteria provided, single submitter. Criteria: Ambry Variant Classification Scheme 2023. Collection method: clinical testing. Allele origin: germline.
Comment: The p.H1043Y variant (also known as c.3127C>T), located in coding exon 25 of the POLD1 gene, results from a C to T substitution at nucleotide position 3127. The histidine at codon 1043 is replaced by tyrosine, an amino acid with similar properties. This amino acid position is conserved. In addition, this alteration is predicted to be tolerated by in silico analysis. Based on the available evidence, the clinical significance of this variant remains unclear.